The following is an entry in ClinVar:

NM_001370466.1(NOD2):c.1047_1053del (p.Thr350fs)

Gene: NOD2 (nucleotide binding oligomerization domain containing 2; plus strand). Cytogenetic location: 16q12.1.
Variant type: Deletion.
Coding change: c.1047_1053del on transcript NM_001370466.1 (MANE Select); coding-DNA positions 1047 to 1053, 7 bases deleted (AACCTTT; older notation c.1047_1053delAACCTTT).
Protein change: p.Thr350fs; shifts the reading frame from threonine 350.
Molecular consequence: frameshift variant. On other transcripts: non-coding transcript variant (1).
Genome position (GRCh38, 1-based): chr16:50,711,039-50,711,045, AACCTTT deleted; deleting any 7 consecutive bases within chr16:50,711,037-50,711,045 gives the same sequence; the c. name uses the placement nearest the transcript's 3' end. VCF-style (leftmost placement, unchanged base first): chr16-50711036-GTTAACCT-G. GRCh37 (hg19) VCF-style: chr16-50744947-GTTAACCT-G.
Other names: c.1047_1053del, p.Thr350fs (NM_001293557.2); c.1128_1134del, p.Thr377fs (NM_022162.3); short protein forms T350fs, T377fs.
Identifiers: ClinVar variation 3751044 (VCV003751044.2).
Genomic context (GRCh38, chr16:50,711,036, plus strand): 5'-GCCTGATGTTGGTCAAGAAGACATCTTCCAGTTACTCCTTGACCACCCTGACCGTGTCCT[GTTAACCT>G]TTGATGGCTTTGACGAGTTCAAGTTCAGGTTCACGGATCGTGAACGCCACTGCTCCCCGA-3'

ClinVar aggregate classification (germline): Uncertain significance (1 of 4 stars; one submission).

Conditions:
Regional enteritis. Also called: Enteritis, Granulomatous. Identifiers: MedGen C0678202, MeSH D003424.
Blau syndrome (BLAUS). Also called: GRANULOMATOSIS, FAMILIAL JUVENILE SYSTEMIC; GRANULOMATOSIS, FAMILIAL, BLAU TYPE; GRANULOMATOUS INFLAMMATORY ARTHRITIS, DERMATITIS, AND UVEITIS, FAMILIAL; JABS SYNDROME; ARTHROCUTANEOUVEAL GRANULOMATOSIS. Identifiers: Orphanet 90340, MedGen C5201146, MONDO:0008523, OMIM 186580.

Submission:

Labcorp Genetics (formerly Invitae), Labcorp
Classification: Uncertain significance for Regional enteritis; Blau syndrome. Last evaluated: 2024-07-02. Review status: criteria provided, single submitter. Criteria: Invitae Variant Classification Sherloc (09022015). Collection method: clinical testing. Allele origin: germline.
Comment: This sequence change creates a premature translational stop signal (p.Thr377Metfs*38) in the NOD2 gene. It is expected to result in an absent or disrupted protein product. However, the current clinical and genetic evidence is not sufficient to establish whether loss-of-function variants in NOD2 cause disease. This variant is not present in population databases (gnomAD no frequency). This variant has not been reported in the literature in individuals affected with NOD2-related conditions. In summary, the available evidence is currently insufficient to determine the role of this variant in disease. Therefore, it has been classified as a Variant of Uncertain Significance.